The following is an entry in ClinVar:

NM_000235.4(LIPA):c.256C>T (p.His86Tyr)

Gene: LIPA (lipase A, lysosomal acid type; minus strand). Cytogenetic location: 10q23.31.
Variant type: single nucleotide variant.
Coding change: c.256C>T on transcript NM_000235.4 (MANE Select); coding-DNA position 256, C replaced by T.
Protein change: p.His86Tyr; replaces histidine 86 with tyrosine.
Molecular consequence: missense variant. On other transcripts: 5 prime UTR variant (1).
Genome position (GRCh38, 1-based): chr10:89,228,372, G>A on the plus strand (C>T on the coding strand, the complement: LIPA is on the minus strand). VCF-style: chr10-89228372-G-A. GRCh37 (hg19) VCF-style: chr10-90988129-G-A.
Other names: c.256C>T, p.His86Tyr (NM_001127605.3); c.-93C>T (NM_001288979.2); c.256C>T (NM_000235.3); short protein forms H86Y.
Identifiers: ClinVar variation 555658 (VCV000555658.9), dbSNP rs749180806, ClinGen allele CA5593770.

ClinVar aggregate classification (germline): Conflicting classifications of pathogenicity. Review status: criteria provided, conflicting classifications (1 of 4 stars). 4 submissions from 4 submitters: Likely pathogenic (2); Uncertain significance (1). 1 of the submissions does not count toward it. Last evaluated 2025-02-14.

Conditions:
Cholesteryl ester storage disease (CESD). Also called: Childhood/Adult-Onset LAL-D (Cholesterol Ester Storage Disease [CESD]). Identifiers: Orphanet 75234, MedGen C0008384, MONDO:0019149, OMIM 278000.
Lysosomal acid lipase deficiency. Also called: Acid cholesteryl ester hydrolase deficiency, type 2. Identifiers: Orphanet 275761, MedGen C5574740, MONDO:0800449, MONDO:0010204.
Wolman disease (WOLD). Also called: Wolman disease, CESD; LYSOSOMAL ACID LIPASE DEFICIENCY, ACUTE INFANTILE; LYSOSOMAL ACID LIPASE DEFICIENCY, COMPLETE; LIPA DEFICIENCY, COMPLETE; LAL DEFICIENCY, COMPLETE; CHOLESTEROL ESTER HYDROLASE DEFICIENCY, COMPLETE. Identifiers: Orphanet 75233, MedGen C0043208, MONDO:0019148, OMIM 620151.

Allele frequency attached by ClinVar (database versions not stated): gnomAD exomes below 0.00001 and 0.00001; ExAC 0.00001; gnomAD 0.00002; TOPMed 0.00002.

Submissions (4):

Natera, Inc.
Classification: Likely pathogenic for Lysosomal acid lipase deficiency. Last evaluated: 2025-02-14. Review status: criteria provided, single submitter. Criteria: Natera Variant Classification Schema (03/2026). Collection method: clinical testing. Allele origin: germline.
Comment: The c.256C>T variant in LIPA is a missense variant predicted to cause substitution of histidine to tyrosine at amino acid 86. This variant is rare in the general population with a frequency below the threshold expected for the associated phenotype(s). This variant has been observed in one or more individuals affected with the associated recessive disease, as either homozygous or compound heterozygous with a second variant (PMID: 28220406). Functional studies show that this variant may disrupt protein function (PMID: 31180157). Computational prediction algorithms indicate this variant is likely to affect gene or protein function. Given the available evidence, this variant is classified as Likely Pathogenic.

Labcorp Genetics (formerly Invitae), Labcorp
Classification: Uncertain significance for Wolman disease. Last evaluated: 2022-07-25. Review status: criteria provided, single submitter. Criteria: Invitae Variant Classification Sherloc (09022015). Collection method: clinical testing. Allele origin: germline.
Comment: This sequence change replaces histidine, which is basic and polar, with tyrosine, which is neutral and polar, at codon 86 of the LIPA protein (p.His86Tyr). This variant is present in population databases (rs749180806, gnomAD 0.01%). This missense change has been observed in individual(s) with lysosomal acid lipase deficiency (PMID: 28220406). ClinVar contains an entry for this variant (Variation ID: 555658). Advanced modeling of protein sequence and biophysical properties (such as structural, functional, and spatial information, amino acid conservation, physicochemical variation, residue mobility, and thermodynamic stability) performed at Invitae indicates that this missense variant is expected to disrupt LIPA protein function. Experimental studies have shown that this missense change affects LIPA function (PMID: 31180157). In summary, the available evidence is currently insufficient to determine the role of this variant in disease. Therefore, it has been classified as a Variant of Uncertain Significance.

Alexion, Astrazeneca Rare Disease, Astrazeneca
Classification: Likely pathogenic for Lysosomal acid lipase deficiency. Last evaluated: 2019-06-01. Review status: criteria provided, single submitter. Criteria: ACMG Guidelines, 2015. Collection method: research. Allele origin: germline. Affected: yes.
Comment: ACMG PS3 criterion ascertained by in-vitro functional study, PMID:31180157

Counsyl
Classification: Uncertain significance for Cholesteryl ester storage disease. Last evaluated: 2017-12-27. Review status: no assertion criteria provided. Collection method: clinical testing. Allele origin: unknown. Not counted in ClinVar's aggregate classification.

Literature cited by the submitters: PubMed 28220406 (cited by 3 submitters); PubMed 31180157 (cited by 3 submitters); PubMed 24792990 (cited by Alexion, Astrazeneca Rare Disease, Astrazeneca).